The following is an entry in ClinVar:

ClinVar aggregate classification (germline): Uncertain significance. Review status: criteria provided, multiple submitters, no conflicts (2 of 4 stars). 3 submissions from 3 submitters: Uncertain significance (2). 1 of the submissions does not count toward it. Last evaluated 2023-04-28.

Conditions:
Nemaline myopathy 2 (NEM2). Also called: Nemaline myopathy 2, autosomal recessive. Identifiers: MedGen C1850569, MONDO:0009725, OMIM 256030.

Allele frequency attached by ClinVar (database versions not stated): TOPMed below 0.00001; gnomAD 0.00001; gnomAD exomes 0.00001.
gnomAD v4.1: 15 of 1,604,790 alleles (0.00093%); highest among the groups gnomAD compares: Non-Finnish European, 0.0013%; no homozygotes.

Submissions (3):

GeneDx
Classification: Uncertain significance. Last evaluated: 2023-04-28. Review status: criteria provided, single submitter. Criteria: GeneDx Variant Classification Process June 2021. Collection method: clinical testing. Allele origin: germline. Affected: yes.
Comment: Not observed at significant frequency in large population cohorts (gnomAD); In silico analysis supports that this missense variant has a deleterious effect on protein structure/function; Has not been previously published as pathogenic or benign to our knowledge

Labcorp Genetics (formerly Invitae), Labcorp
Classification: Uncertain significance for Nemaline myopathy 2. Last evaluated: 2022-02-08. Review status: criteria provided, single submitter. Criteria: Invitae Variant Classification Sherloc (09022015). Collection method: clinical testing. Allele origin: germline.
Comment: This sequence change replaces glutamic acid, which is acidic and polar, with lysine, which is basic and polar, at codon 7822 of the NEB protein (p.Glu7822Lys). This variant is not present in population databases (gnomAD no frequency). This variant has not been reported in the literature in individuals affected with NEB-related conditions. ClinVar contains an entry for this variant (Variation ID: 853979). Algorithms developed to predict the effect of missense changes on protein structure and function are either unavailable or do not agree on the potential impact of this missense change (SIFT: "Deleterious"; PolyPhen-2: "Not Available"; Align-GVGD: "Class C0"). In summary, the available evidence is currently insufficient to determine the role of this variant in disease. Therefore, it has been classified as a Variant of Uncertain Significance.

Natera, Inc.
Classification: Uncertain significance for Nemaline myopathy type 2. Last evaluated: 2025-04-23. Review status: no assertion criteria provided. Collection method: clinical testing. Allele origin: germline. Not counted in ClinVar's aggregate classification.

NM_001164508.2(NEB):c.23359G>A (p.Glu7787Lys)

Genes: NEB (nebulin; minus strand), RIF1 (replication timing regulatory factor 1; plus strand). Cytogenetic location: 2q23.3.
Variant type: single nucleotide variant.
Coding change: c.23359G>A on transcript NM_001164508.2 (MANE Select); coding-DNA position 23359, G replaced by A.
Protein change: p.Glu7787Lys; replaces glutamic acid 7787 with lysine.
Molecular consequence: missense variant.
Genome position (GRCh38, 1-based): chr2:151,508,097, C>T on the plus strand (G>A on the coding strand, the complement: NEB is on the minus strand). VCF-style: chr2-151508097-C-T. GRCh37 (hg19) VCF-style: chr2-152364611-C-T.
Other names: c.23359G>A, p.Glu7787Lys (NM_001164507.2); c.23464G>A, p.Glu7822Lys (NM_001271208.2); c.18256G>A, p.Glu6086Lys (NM_004543.5); short protein forms E6086K, E7787K, E7822K.
Identifiers: ClinVar variation 853979 (VCV000853979.8), dbSNP rs1476557676, ClinGen allele CA348785571.